The following is an entry in ClinVar:

NM_002880.4(RAF1):c.1850A>G (p.Asn617Ser)

Gene: RAF1 (Raf-1 proto-oncogene, serine/threonine kinase; minus strand). Cytogenetic location: 3p25.2.
Variant type: single nucleotide variant.
Coding change: c.1850A>G on transcript NM_002880.4 (MANE Select); coding-DNA position 1850, A replaced by G.
Protein change: p.Asn617Ser; replaces asparagine 617 with serine.
Molecular consequence: missense variant. On other transcripts: non-coding transcript variant (3).
Genome position (GRCh38, 1-based): chr3:12,584,611, T>C on the plus strand (A>G on the coding strand, the complement: RAF1 is on the minus strand). VCF-style: chr3-12584611-T-C. GRCh37 (hg19) VCF-style: chr3-12626110-T-C.
Other names: c.1910A>G, p.Asn637Ser (NM_001354689.3); c.1850A>G, p.Asn617Ser (NM_001354690.3); c.1607A>G, p.Asn536Ser (NM_001354691.3, NM_001354692.3); c.1751A>G, p.Asn584Ser (NM_001354693.3); c.1667A>G, p.Asn556Ser (NM_001354694.3); c.1508A>G, p.Asn503Ser (NM_001354695.3); short protein forms N503S, N536S, N556S, N584S, N617S, N637S.
Identifiers: ClinVar variation 1022960 (VCV001022960.12), dbSNP rs933142627, ClinGen allele CA69602361.

ClinVar aggregate classification (germline): Uncertain significance. Review status: criteria provided, multiple submitters, no conflicts (2 of 4 stars). 3 submissions from 3 submitters: Uncertain significance (3). Last evaluated 2025-12-31.

Conditions:
Cardiovascular phenotype. Identifiers: MedGen CN230736.
RASopathy. Also called: Noonan spectrum disorder; rasopathies. Identifiers: Orphanet 536391, MedGen C5555857, MONDO:0021060.

Allele frequency attached by ClinVar (database versions not stated): gnomAD exomes 0.00001.
gnomAD v4.1: 19 of 1,613,906 alleles (0.0012%); highest among the groups gnomAD compares: African/African-American, 0.0027%; no homozygotes.

Submissions (3):

Labcorp Genetics (formerly Invitae), Labcorp
Classification: Uncertain significance for RASopathy. Last evaluated: 2025-12-31. Review status: criteria provided, single submitter. Criteria: Invitae Variant Classification Sherloc (09022015). Collection method: clinical testing. Allele origin: germline.
Comment: This sequence change replaces asparagine, which is neutral and polar, with serine, which is neutral and polar, at codon 617 of the RAF1 protein (p.Asn617Ser). This variant is present in population databases (no rsID available, gnomAD 0.005%). This variant has not been reported in the literature in individuals affected with RAF1-related conditions. ClinVar contains an entry for this variant (Variation ID: 1022960). Invitae Evidence Modeling incorporating data from in vitro experimental studies (internal data) indicates that this missense variant is not expected to disrupt RAF1 function with a negative predictive value of 95%. In summary, the available evidence is currently insufficient to determine the role of this variant in disease. Therefore, it has been classified as a Variant of Uncertain Significance.

Ambry Genetics
Classification: Uncertain significance for Cardiovascular phenotype. Last evaluated: 2025-12-22. Review status: criteria provided, single submitter. Criteria: Ambry Variant Classification Scheme 2023. Collection method: clinical testing. Allele origin: germline.
Comment: The p.N617S variant (also known as c.1850A>G), located in coding exon 16 of the RAF1 gene, results from an A to G substitution at nucleotide position 1850. The asparagine at codon 617 is replaced by serine, an amino acid with highly similar properties. This amino acid position is highly conserved in available vertebrate species. In addition, this alteration is predicted to be tolerated by in silico analysis. Based on the available evidence, the clinical significance of this variant remains unclear.

GeneDx
Classification: Uncertain significance. Last evaluated: 2020-12-08. Review status: criteria provided, single submitter. Criteria: GeneDx Variant Classification Process June 2021. Collection method: clinical testing. Allele origin: germline. Affected: yes.
Comment: Has not been previously published as pathogenic or benign to our knowledge; In silico analysis supports that this missense variant does not alter protein structure/function; Missense variants in this gene are often considered pathogenic (Stenson et al., 2014)